The following is an entry in ClinVar:

NM_001127392.3(MYRF):c.1669C>T (p.His557Tyr)

Gene: MYRF (myelin regulatory factor; plus strand). Cytogenetic location: 11q12.2.
Variant type: single nucleotide variant.
Coding change: c.1669C>T on transcript NM_001127392.3 (MANE Select); coding-DNA position 1669, C replaced by T.
Protein change: p.His557Tyr; replaces histidine 557 with tyrosine.
Molecular consequence: missense variant.
Genome position (GRCh38, 1-based): chr11:61,777,342, C>T. VCF-style: chr11-61777342-C-T. GRCh37 (hg19) VCF-style: chr11-61544814-C-T.
Other names: c.1642C>T, p.His548Tyr (NM_013279.4); short protein forms H548Y, H557Y.
Identifiers: ClinVar variation 4072731 (VCV004072731.1).

ClinVar aggregate classification (germline): Uncertain significance (1 of 4 stars; one submission).

gnomAD v4.1: 2 of 1,613,700 alleles (0.00012%); highest among the groups gnomAD compares: South Asian, 0.0011%; no homozygotes.

Submission:

GeneDx
Classification: Uncertain significance. Last evaluated: 2025-01-31. Review status: criteria provided, single submitter. Criteria: GeneDx Variant Classification Process June 2021. Collection method: clinical testing. Allele origin: germline. Affected: yes.
Comment: Not observed at significant frequency in large population cohorts (gnomAD); In silico analysis supports that this missense variant has a deleterious effect on protein structure/function; Has not been previously published as pathogenic or benign to our knowledge